The following is an entry in ClinVar:

NM_000368.5(TSC1):c.*1902T>G

Gene: TSC1 (TSC complex subunit 1; minus strand). Cytogenetic location: 9q34.13.
Variant type: single nucleotide variant.
Coding change: c.*1902T>G on transcript NM_000368.5 (MANE Select); 1902 bases downstream of the stop codon, T replaced by G.
Molecular consequence: 3 prime UTR variant.
Genome position (GRCh38, 1-based): chr9:132,894,333, A>C on the plus strand (T>G on the coding strand, the complement: TSC1 is on the minus strand). VCF-style: chr9-132894333-A-C. GRCh37 (hg19) VCF-style: chr9-135769720-A-C.
Other names: c.*1902T>G (NM_001162426.2, NM_001162427.2, NM_001362177.2).
Identifiers: ClinVar variation 365467 (VCV000365467.6), dbSNP rs142038787, ClinGen allele CA10632982.

ClinVar aggregate classification (germline): Benign. Review status: criteria provided, multiple submitters, no conflicts (2 of 4 stars). 3 submissions from 2 submitters: Benign (3). Last evaluated 2018-01-13.

Conditions:
Isolated focal cortical dysplasia type II (FCORD2). Also called: CORTICAL DYSPLASIA OF TAYLOR; Focal cortical dysplasia type II. Identifiers: Orphanet 268994, MedGen C1846385, MONDO:0011818, OMIM 607341, HP:0032051.
Tuberous sclerosis 1 (TSC1). Identifiers: Orphanet 805, MedGen C1854465, MONDO:0008612, OMIM 191100.

Allele frequency attached by ClinVar (database versions not stated): gnomAD exomes 0.00153; 1000 Genomes Project 30x 0.00187; 1000 Genomes Project 0.00200; gnomAD 0.00261 and 0.00285; TOPMed 0.00303.
gnomAD v4.1: 528 of 231,164 alleles (0.23%); highest among the groups gnomAD compares: African/African-American, 0.66%; no homozygotes.

Submissions (3):

Illumina Laboratory Services, Illumina
Classification: Benign for Tuberous sclerosis 1. Last evaluated: 2018-01-13. Review status: criteria provided, single submitter. Criteria: ICSL Variant Classification Criteria 13 December 2019. Collection method: clinical testing. Allele origin: germline.
Comment: This variant was observed in the ICSL laboratory as part of a predisposition screen in an ostensibly healthy population. It had not been previously curated by ICSL or reported in the Human Gene Mutation Database (HGMD: prior to June 1st, 2018), and was therefore a candidate for classification through an automated scoring system. Utilizing variant allele frequency, disease prevalence and penetrance estimates, and inheritance mode, an automated score was calculated to assess if this variant is too frequent to cause the disease. Based on the score and internal cut-off values, a variant classified as benign is not then subjected to further curation. The score for this variant resulted in a classification of benign for this disease.

Illumina Laboratory Services, Illumina
Classification: Benign for Isolated focal cortical dysplasia type II. Last evaluated: 2018-01-13. Review status: criteria provided, single submitter. Criteria: ICSL Variant Classification Criteria 13 December 2019. Collection method: clinical testing. Allele origin: germline.
Comment: the same text as in the submission from Illumina Laboratory Services, Illumina above.

Breakthrough Genomics
Classification: Benign. Review status: criteria provided, single submitter. Criteria: ACMG Guidelines, 2015. Collection method: not provided. Allele origin: germline. Inheritance: Autosomal dominant inheritance. Affected: yes.